The following is an entry in ClinVar:

ClinVar aggregate classification (germline): Likely benign. Review status: criteria provided, multiple submitters, no conflicts (2 of 4 stars). 5 submissions from 5 submitters: Likely benign (5). Last evaluated 2026-01-26.

Conditions:
Familial sleep-related hypermotor epilepsy. Also called: Autosomal Dominant Sleep-Related Hypermotor (Hyperkinetic) Epilepsy. Identifiers: Orphanet 98784, MedGen C3696898, MONDO:0000030.
Inborn genetic diseases. Identifiers: MedGen C0950123, MeSH D030342.

Allele frequency attached by ClinVar (database versions not stated): ExAC 0.00005; gnomAD exomes 0.00006; gnomAD 0.00020 and 0.00023; TOPMed 0.00022.

Submissions (5):

Labcorp Genetics (formerly Invitae), Labcorp
Classification: Likely benign. Last evaluated: 2026-01-26. Review status: criteria provided, single submitter. Criteria: Invitae Variant Classification Sherloc (09022015). Collection method: clinical testing. Allele origin: germline.

CeGaT Center for Human Genetics Tuebingen
Classification: Likely benign. Last evaluated: 2026-01-01. Review status: criteria provided, single submitter. Criteria: CeGaT Center For Human Genetics Tuebingen Variant Classification Criteria Version 2. Collection method: clinical testing. Allele origin: germline. Affected: yes. Observed: 1 variant allele.
Comment: CHRNA4: BP4, BP7

Blueprint Genetics
Classification: Likely benign. Last evaluated: 2024-10-23. Review status: criteria provided, single submitter. Criteria: ACMG Guidelines, 2015. Collection method: clinical testing. Allele origin: germline.

GeneDx
Classification: Likely benign. Last evaluated: 2018-04-06. Review status: criteria provided, single submitter. Criteria: GeneDx Variant Classification (06012015). Collection method: clinical testing. Allele origin: germline. Affected: yes.
Comment: This variant is considered likely benign or benign based on one or more of the following criteria: it is a conservative change, it occurs at a poorly conserved position in the protein, it is predicted to be benign by multiple in silico algorithms, and/or has population frequency not consistent with disease.

Ambry Genetics
Classification: Likely benign for Inborn genetic diseases. Last evaluated: 2016-12-12. Review status: criteria provided, single submitter. Criteria: Ambry Variant Classification Scheme 2023. Collection method: clinical testing. Allele origin: germline.

NM_000744.7(CHRNA4):c.1551G>A (p.Ser517=)

Gene: CHRNA4 (cholinergic receptor nicotinic alpha 4 subunit; minus strand). Cytogenetic location: 20q13.33.
Variant type: single nucleotide variant.
Coding change: c.1551G>A on transcript NM_000744.7 (MANE Select); coding-DNA position 1551, G replaced by A.
Protein change: p.Ser517=; no amino-acid change (serine 517 retained).
Molecular consequence: synonymous variant. On other transcripts: non-coding transcript variant (1).
Genome position (GRCh38, 1-based): chr20:63,349,860, C>T on the plus strand (G>A on the coding strand, the complement: CHRNA4 is on the minus strand). VCF-style: chr20-63349860-C-T. GRCh37 (hg19) VCF-style: chr20-61981212-C-T.
Other names: c.1023G>A, p.Ser341= (NM_001256573.2).
Identifiers: ClinVar variation 588543 (VCV000588543.22), dbSNP rs201441215, ClinGen allele CA9957575.